The following is an entry in ClinVar:

NM_001127255.2(NLRP7):c.446A>G (p.Asp149Gly)

Gene: NLRP7 (NLR family pyrin domain containing 7; minus strand). Cytogenetic location: 19q13.42.
Variant type: single nucleotide variant.
Coding change: c.446A>G on transcript NM_001127255.2 (MANE Select); coding-DNA position 446, A replaced by G.
Protein change: p.Asp149Gly; replaces aspartic acid 149 with glycine.
Molecular consequence: missense variant.
Genome position (GRCh38, 1-based): chr19:54,940,373, T>C on the plus strand (A>G on the coding strand, the complement: NLRP7 is on the minus strand). VCF-style: chr19-54940373-T-C. GRCh37 (hg19) VCF-style: chr19-55451741-T-C.
Other names: c.446A>G, p.Asp149Gly (NM_001405531.1, NM_139176.4, NM_206828.4); short protein forms D149G.
Identifiers: ClinVar variation 127261 (VCV000127261.4), dbSNP rs199475822, ClinGen allele CA230832.
Genomic context (GRCh38, chr19:54,940,373, plus strand): 5'-AGCTTCCTGGGTGTTCTGGGATTCAAGAATGGAATGAACCGTTGGTTTCTCAGAGTGACG[T>C]CGTCATGGAAATTGTCAATGTCTCCTTGCCAAAAGGTGTTCTTCCAGACCAAAGACTGTT-3'
Protein context (NP_001120727.1, residues 139-159): WQGDIDNFHD[Asp149Gly]VTLRNQRFIP

ClinVar aggregate classification (germline): not provided (0 of 4 stars; one submission).

gnomAD v4.1: 2 of 1,614,186 alleles (0.00012%); no homozygotes.

Submission:

Human Evolutionary Genetics, Institut Pasteur
No classification provided. Review status: no classification provided. Collection method: not provided. Allele origin: germline.
ClinVar note: Converted during submission from untested to not provided.